The following is an entry in ClinVar:

NM_001010892.3(RSPH4A):c.1237G>A (p.Ala413Thr)

Gene: RSPH4A (radial spoke head component 4A; plus strand). Cytogenetic location: 6q22.1.
Variant type: single nucleotide variant.
Coding change: c.1237G>A on transcript NM_001010892.3 (MANE Select); coding-DNA position 1237, G replaced by A.
Protein change: p.Ala413Thr; replaces alanine 413 with threonine.
Molecular consequence: missense variant.
Genome position (GRCh38, 1-based): chr6:116,627,944, G>A. VCF-style: chr6-116627944-G-A. GRCh37 (hg19) VCF-style: chr6-116949107-G-A.
Other names: c.1237G>A, p.Ala413Thr (NM_001161664.2); short protein forms A413T.
Identifiers: ClinVar variation 2164944 (VCV002164944.2), dbSNP rs754023097, ClinGen allele CA3970910.

ClinVar aggregate classification (germline): Uncertain significance (1 of 4 stars; one submission).

Conditions:
Primary ciliary dyskinesia. Also called: Ciliary dyskinesia. Identifiers: Orphanet 244, MedGen C0008780, MONDO:0016575, HP:0012265.

Allele frequency attached by ClinVar (database versions not stated): ExAC 0.00002.
gnomAD v4.1: 6 of 1,613,982 alleles (0.00037%); highest among the groups gnomAD compares: Admixed American, 0.0083%; no homozygotes.

Submission:

Labcorp Genetics (formerly Invitae), Labcorp
Classification: Uncertain significance for Primary ciliary dyskinesia. Last evaluated: 2024-11-04. Review status: criteria provided, single submitter. Criteria: Invitae Variant Classification Sherloc (09022015). Collection method: clinical testing. Allele origin: germline.
Comment: This sequence change replaces alanine, which is neutral and non-polar, with threonine, which is neutral and polar, at codon 413 of the RSPH4A protein (p.Ala413Thr). This variant is present in population databases (rs754023097, gnomAD 0.009%). This variant has not been reported in the literature in individuals affected with RSPH4A-related conditions. ClinVar contains an entry for this variant (Variation ID: 2164944). Invitae Evidence Modeling of protein sequence and biophysical properties (such as structural, functional, and spatial information, amino acid conservation, physicochemical variation, residue mobility, and thermodynamic stability) indicates that this missense variant is not expected to disrupt RSPH4A protein function with a negative predictive value of 80%. In summary, the available evidence is currently insufficient to determine the role of this variant in disease. Therefore, it has been classified as a Variant of Uncertain Significance.